The following is an entry in ClinVar:

ClinVar aggregate classification (germline): Conflicting classifications of pathogenicity. Review status: criteria provided, conflicting classifications (1 of 4 stars). 9 submissions from 9 submitters: Uncertain significance (2); Benign (1); Likely benign (5). 1 of the submissions does not count toward it. Last evaluated 2026-09-01.

Conditions:
Epiphyseal dysplasia, multiple, 2 (EDM2). Also called: COL9A2-Related Multiple Epiphyseal Dysplasia. Identifiers: MedGen C1838429, MONDO:0010844, OMIM 600204.
COL9A2-related disorder. Also called: COL9A2-related condition.
Stickler syndrome, type 5 (STL5). Also called: COL9A2-Related Stickler Syndrome. Identifiers: Orphanet 250984, Orphanet 828, MedGen C3280342, MONDO:0013666, OMIM 614284.

Allele frequency attached by ClinVar (database versions not stated): ESP Exome Variant Server 0.00008; gnomAD 0.00025 and 0.00028; TOPMed 0.00025; ExAC 0.00094.
gnomAD v4.1: 410 of 1,564,664 alleles (0.026%); highest among the groups gnomAD compares: Admixed American, 0.021%; 4 homozygotes.

Submissions (10):

CeGaT Center for Human Genetics Tuebingen
Classification: Likely benign. Last evaluated: 2026-09-01. Review status: criteria provided, single submitter. Criteria: CeGaT Center For Human Genetics Tuebingen Variant Classification Criteria Version 2. Collection method: clinical testing. Allele origin: germline. Affected: yes. Observed: 1 variant allele.
Comment: COL9A2: BS2

Labcorp Genetics (formerly Invitae), Labcorp
Classification: Likely benign. Last evaluated: 2026-01-21. Review status: criteria provided, single submitter. Criteria: Invitae Variant Classification Sherloc (09022015). Collection method: clinical testing. Allele origin: germline.

Blueprint Genetics
Classification: Benign. Last evaluated: 2024-11-10. Review status: criteria provided, single submitter. Criteria: ACMG Guidelines, 2015. Collection method: clinical testing. Allele origin: germline.

Women's Health and Genetics/Laboratory Corporation of America, LabCorp
Classification: Uncertain significance. Last evaluated: 2023-10-25. Review status: criteria provided, single submitter. Criteria: LabCorp Variant Classification Summary - May 2015. Collection method: clinical testing. Allele origin: germline.
Comment: Variant summary: COL9A2 c.1400A>G (p.Gln467Arg) results in a conservative amino acid change located in the Collagen triple helix repeat (IPR008160) of the encoded protein sequence. Three of five in-silico tools predict a benign effect of the variant on protein function. Consensus agreement among computation tools predict no significant impact on normal splicing. However, these predictions have yet to be confirmed by functional studies. The variant allele was found at a frequency of 0.00048 in 163758 control chromosomes in the gnomAD database, including 1 homozygote. To our knowledge, no occurrence of c.1400A>G in individuals affected with Epiphyseal dysplasia, multiple, 2 and no experimental evidence demonstrating its impact on protein function have been reported. Five submitters have cited clinical-significance assessments for this variant to ClinVar after 2014, and classified it as likely benign (n=4) or uncertain significance (n=1). Based on the evidence outlined above, the variant was classified as uncertain significance.

GeneDx
Classification: Likely benign. Last evaluated: 2020-09-11. Review status: criteria provided, single submitter. Criteria: GeneDx Variant Classification Process June 2021. Collection method: clinical testing. Allele origin: germline. Affected: yes.

ARUP Laboratories, Molecular Genetics and Genomics, ARUP Laboratories
Classification: Likely benign. Last evaluated: 2018-12-15. Review status: criteria provided, single submitter. Criteria: ARUP Molecular Germline Variant Investigation Process. Collection method: clinical testing. Allele origin: germline.

Fulgent Genetics
Classification: Uncertain significance for Epiphyseal dysplasia, multiple, 2; Stickler syndrome, type 5. Last evaluated: 2018-10-31. Review status: criteria provided, single submitter. Criteria: ACMG Guidelines, 2015. Collection method: clinical testing. Allele origin: unknown.

Illumina Laboratory Services, Illumina
Classification: Likely benign for Epiphyseal dysplasia, multiple, 2. Last evaluated: 2018-01-13. Review status: criteria provided, single submitter. Criteria: ICSL Variant Classification Criteria 13 December 2019. Collection method: clinical testing. Allele origin: germline.
Comment: This variant was observed in the ICSL laboratory as part of a predisposition screen in an ostensibly healthy population. It had not been previously curated by ICSL or reported in the Human Gene Mutation Database (HGMD: prior to June 1st, 2018), and was therefore a candidate for classification through an automated scoring system. Utilizing variant allele frequency, disease prevalence and penetrance estimates, and inheritance mode, an automated score was calculated to assess if this variant is too frequent to cause the disease. Based on the score and internal cut-off values, a variant classified as likely benign is not then subjected to further curation. The score for this variant resulted in a classification of likely benign for this disease.

PreventionGenetics, part of Exact Sciences
Classification: Likely benign for COL9A2-related condition. Last evaluated: 2019-06-05. Review status: no assertion criteria provided. Collection method: clinical testing. Allele origin: germline. Not counted in ClinVar's aggregate classification.
Comment: This variant is classified as likely benign based on ACMG/AMP sequence variant interpretation guidelines (Richards et al. 2015 PMID: 25741868, with internal and published modifications).

Dr. Peter K. Rogan Lab, Western University
No classification provided (evidence only). Condition: Malignant tumor of esophagus. Review status: no classification provided. Collection method: in vitro. Allele origin: not applicable. Functional consequence: retained intron. Not counted in ClinVar's aggregate classification.

NM_001852.4(COL9A2):c.1400A>G (p.Gln467Arg)

Gene: COL9A2 (collagen type IX alpha 2 chain; minus strand). Cytogenetic location: 1p34.2.
Variant type: single nucleotide variant.
Coding change: c.1400A>G on transcript NM_001852.4 (MANE Select); coding-DNA position 1400, A replaced by G.
Protein change: p.Gln467Arg; replaces glutamine 467 with arginine.
Molecular consequence: missense variant.
Genome position (GRCh38, 1-based): chr1:40,303,808, T>C on the plus strand (A>G on the coding strand, the complement: COL9A2 is on the minus strand). VCF-style: chr1-40303808-T-C. GRCh37 (hg19) VCF-style: chr1-40769480-T-C.
Other names: short protein forms Q467R.
Identifiers: ClinVar variation 297297 (VCV000297297.29), dbSNP rs373264436, ClinGen allele CA791455.